The following is an entry in ClinVar:

ClinVar aggregate classification (germline): Likely pathogenic (1 of 4 stars; one submission).

Conditions:
Paediatric disorders.

gnomAD v4.1: 1 of 1,613,638 alleles (0.000062%); highest among the groups gnomAD compares: South Asian, 0.0011%; no homozygotes.

Submission:

North West Genomic Laboratory Hub, Manchester University NHS Foundation Trust
Classification: Likely pathogenic for Paediatric disorders. Last evaluated: 2025-11-11. Review status: criteria provided, single submitter. Criteria: ACGS Best Practice Guidelines for Variant Classification in Rare Disease 2024. Collection method: clinical testing. Allele origin: germline. Affected: yes.
Comment: PM2_Mod PM1_Mod PS2_Str

NM_001378183.1(PIEZO2):c.8555C>A (p.Ser2852Ter)

Gene: PIEZO2 (piezo type mechanosensitive ion channel component 2; minus strand). Cytogenetic location: 18p11.22.
Variant type: single nucleotide variant.
Coding change: c.8555C>A on transcript NM_001378183.1 (MANE Select); coding-DNA position 8555, C replaced by A.
Protein change: p.Ser2852Ter; replaces serine 2852 with a stop codon.
Molecular consequence: nonsense.
Genome position (GRCh38, 1-based): chr18:10,671,570, G>T on the plus strand (C>A on the coding strand, the complement: PIEZO2 is on the minus strand). VCF-style: chr18-10671570-G-T. GRCh37 (hg19) VCF-style: chr18-10671567-G-T.
Other names: c.8291C>A, p.Ser2764Ter (NM_001410871.1); c.8216C>A, p.Ser2739Ter (NM_022068.4); short protein forms S2739*, S2764*, S2852*.
Identifiers: ClinVar variation 5020068 (VCV005020068.1).